The following is an entry in ClinVar:

NM_000548.5(TSC2):c.1248C>G (p.Asp416Glu)

Gene: TSC2 (TSC complex subunit 2; plus strand). Cytogenetic location: 16p13.3.
Variant type: single nucleotide variant.
Coding change: c.1248C>G on transcript NM_000548.5 (MANE Select); coding-DNA position 1248, C replaced by G.
Protein change: p.Asp416Glu; replaces aspartic acid 416 with glutamic acid.
Molecular consequence: missense variant.
Genome position (GRCh38, 1-based): chr16:2,061,999, C>G. VCF-style: chr16-2061999-C-G. GRCh37 (hg19) VCF-style: chr16-2112000-C-G.
Other names: c.1248C>G, p.Asp416Glu (NM_001077183.3, NM_001114382.3, NM_001363528.2 and 3 more transcripts); c.1137C>G, p.Asp379Glu (NM_001318827.2); c.1101C>G, p.Asp367Glu (NM_001318829.2); c.648C>G, p.Asp216Glu (NM_001318831.2); c.1281C>G, p.Asp427Glu (NM_001318832.2); short protein forms D416E, D427E, D379E, D367E, D216E.
Identifiers: ClinVar variation 1472576 (VCV001472576.10), dbSNP rs1555501144, ClinGen allele CA394321464.
Genomic context (GRCh38, chr16:2,061,999, plus strand): 5'-CCAGAACGAGTTCCACGGGTCTCAGGAGAGATACTTTGAACTGGTGGAGAGATGTGCGGA[C>G]CAGAGGCCTGTGAGACCCCCTCCTGGGTGGGGCCTTTGGGCTTTGGCTGGTGGGGAGGGG-3'
Protein context (NP_000539.2, residues 406-426): RYFELVERCA[Asp416Glu]QRPESSLLNL

ClinVar aggregate classification (germline): Uncertain significance. Review status: criteria provided, multiple submitters, no conflicts (2 of 4 stars). 2 submissions from 2 submitters: Uncertain significance (2). Last evaluated 2025-01-06.

Conditions:
Hereditary cancer-predisposing syndrome. Also called: Hereditary neoplastic syndrome; Tumor predisposition; Neoplastic Syndromes, Hereditary; Hereditary Cancer Syndrome. Identifiers: Orphanet 140162, MedGen C0027672, MeSH D009386, MONDO:0015356.
Tuberous sclerosis 2 (TSC2). Identifiers: Orphanet 805, MedGen C1860707, MONDO:0013199, OMIM 613254.

Allele frequency attached by ClinVar (database versions not stated): gnomAD exomes below 0.00001.
gnomAD v4.1: 1 of 1,614,100 alleles (0.000062%); highest among the groups gnomAD compares: Non-Finnish European, 0.000085%; no homozygotes.

Submissions (2):

Labcorp Genetics (formerly Invitae), Labcorp
Classification: Uncertain significance for Tuberous sclerosis 2. Last evaluated: 2025-01-06. Review status: criteria provided, single submitter. Criteria: Invitae Variant Classification Sherloc (09022015). Collection method: clinical testing. Allele origin: germline.
Comment: This sequence change replaces aspartic acid, which is acidic and polar, with glutamic acid, which is acidic and polar, at codon 416 of the TSC2 protein (p.Asp416Glu). This variant is not present in population databases (gnomAD no frequency). This variant has not been reported in the literature in individuals affected with TSC2-related conditions. ClinVar contains an entry for this variant (Variation ID: 1472576). Invitae Evidence Modeling of protein sequence and biophysical properties (such as structural, functional, and spatial information, amino acid conservation, physicochemical variation, residue mobility, and thermodynamic stability) indicates that this missense variant is not expected to disrupt TSC2 protein function with a negative predictive value of 95%. In summary, the available evidence is currently insufficient to determine the role of this variant in disease. Therefore, it has been classified as a Variant of Uncertain Significance.

Ambry Genetics
Classification: Uncertain significance for Hereditary cancer-predisposing syndrome. Last evaluated: 2022-04-07. Review status: criteria provided, single submitter. Criteria: Ambry Variant Classification Scheme 2023. Collection method: clinical testing. Allele origin: germline.
Comment: The p.D416E variant (also known as c.1248C>G), located in coding exon 11 of the TSC2 gene, results from a C to G substitution at nucleotide position 1248. The aspartic acid at codon 416 is replaced by glutamic acid, an amino acid with highly similar properties. This amino acid position is conserved. In addition, the in silico prediction for this alteration is inconclusive. Since supporting evidence is limited at this time, the clinical significance of this alteration remains unclear.